The following is an entry in ClinVar:

ClinVar aggregate classification (germline): Pathogenic (1 of 4 stars; one submission).

Conditions:
Neurofibromatosis, type 1 (NF1). Also called: VON RECKLINGHAUSEN DISEASE; Peripheral type neurofibromatosis; NEUROFIBROMATOSIS, TYPE I, SOMATIC; Neurofibromatosis, type I. Identifiers: Orphanet 636, MedGen C0027831, MONDO:0018975, OMIM 162200. Disease mechanism: loss of function.

Submission:

Labcorp Genetics (formerly Invitae), Labcorp
Classification: Pathogenic for Neurofibromatosis, type 1. Last evaluated: 2022-04-11. Review status: criteria provided, single submitter. Criteria: Invitae Variant Classification Sherloc (09022015). Collection method: clinical testing. Allele origin: germline.
Comment: For these reasons, this variant has been classified as Pathogenic. ClinVar contains an entry for this variant (Variation ID: 1074080). This variant has not been reported in the literature in individuals affected with NF1-related conditions. This variant is not present in population databases (gnomAD no frequency). This sequence change creates a premature translational stop signal (p.Cys1032Alafs*4) in the NF1 gene. It is expected to result in an absent or disrupted protein product. Loss-of-function variants in NF1 are known to be pathogenic (PMID: 10712197, 23913538).

Literature cited by the submitters: PubMed 10712197; PubMed 23913538.

NM_001042492.3(NF1):c.3094del (p.Cys1032fs)

Gene: NF1 (neurofibromin 1; plus strand). Cytogenetic location: 17q11.2.
Variant type: Deletion.
Coding change: c.3094del on transcript NM_001042492.3 (MANE Select); coding-DNA position 3094, one base deleted (T; older notation c.3094delT).
Protein change: p.Cys1032fs; shifts the reading frame from cysteine 1032.
Molecular consequence: frameshift variant.
Genome position (GRCh38, 1-based): chr17:31,230,363, T deleted; the last of 4 consecutive T bases (chr17:31,230,360-31,230,363); deleting any one gives the same sequence. VCF-style (leftmost placement, unchanged base first): chr17-31230359-AT-A. GRCh37 (hg19) VCF-style: chr17-29557377-AT-A.
Other names: c.3094delT, p.Cys1032Alafs (NM_000267.4); short protein forms C1032fs.
Identifiers: ClinVar variation 1074080 (VCV001074080.5), dbSNP rs1555614535, ClinGen allele CA2499224084.
Genomic context (GRCh38, chr17:31,230,359, plus strand): 5'-AATAAAAACGAAACTGTGTCAATTAGTTGAAGTAATGATGGCAAGGAGAGATGACCTCTC[AT>A]TTTGCCAAGAGATGAAATTTAGGTGAGTTCTCAAAAGAGCAATGTAGGGTCTTGTAAATC-3'